The following is an entry in ClinVar:

NM_138272.3(MPIG6B):c.337G>T (p.Glu113Ter)

Gene: MPIG6B (megakaryocyte and platelet inhibitory receptor G6b; plus strand). Cytogenetic location: 6p21.33.
Variant type: single nucleotide variant.
Coding change: c.337G>T on transcript NM_138272.3 (MANE Select); coding-DNA position 337, G replaced by T.
Protein change: p.Glu113Ter; replaces glutamic acid 113 with a stop codon.
Molecular consequence: nonsense.
Genome position (GRCh38, 1-based): chr6:31,723,914, G>T. VCF-style: chr6-31723914-G-T. GRCh37 (hg19) VCF-style: chr6-31691691-G-T.
Other names: c.337G>T, p.Glu113Ter (NM_025260.4, NM_138273.3, NM_138274.3 and 2 more transcripts); short protein forms E113*.
Identifiers: ClinVar variation 1684426 (VCV001684426.1), dbSNP rs1807078259, ClinGen allele CA363371815.

ClinVar aggregate classification (germline): Likely pathogenic (0 of 4 stars; one submission).

Conditions:
Thrombocytopenia, anemia, and myelofibrosis (THAMY). Identifiers: MedGen C4479504, MONDO:0044316, OMIM 617441.

Allele frequency attached by ClinVar (database versions not stated): gnomAD 0.00001.
gnomAD v4.1: 1 of 1,596,518 alleles (0.000063%); highest among the groups gnomAD compares: Admixed American, 0.0017%; no homozygotes.

Submission:

ISTH-SSC Genomics in Thrombosis and Hemostasis, KU Leuven, Center for Molecular and Vascular Biology
Classification: Likely pathogenic for Thrombocytopenia, anemia, and myelofibrosis. Review status: no assertion criteria provided. Collection method: research. Allele origin: unknown. Affected: yes.
Comment: Submitted to GoldVariant by Dr Karyn Mégy from NIHR Bioresource - Cambridge University, UK